The following is an entry in ClinVar:

NM_004304.5(ALK):c.446C>A (p.Ala149Glu)

Gene: ALK (ALK receptor tyrosine kinase; minus strand). Cytogenetic location: 2p23.1.
Variant type: single nucleotide variant.
Coding change: c.446C>A on transcript NM_004304.5 (MANE Select); coding-DNA position 446, C replaced by A.
Protein change: p.Ala149Glu; replaces alanine 149 with glutamic acid.
Molecular consequence: missense variant.
Genome position (GRCh38, 1-based): chr2:29,920,214, G>T on the plus strand (C>A on the coding strand, the complement: ALK is on the minus strand). VCF-style: chr2-29920214-G-T. GRCh37 (hg19) VCF-style: chr2-30143080-G-T.
Other names: short protein forms A149E.
Identifiers: ClinVar variation 2128756 (VCV002128756.4), dbSNP rs374276783, ClinGen allele CA346590029.

ClinVar aggregate classification (germline): Uncertain significance (1 of 4 stars; one submission).

Conditions:
Neuroblastoma, susceptibility to, 3. Also called: ALK-Related Neuroblastic Tumor Susceptibility. Identifiers: Orphanet 635, MedGen C2751681, MONDO:0013083, OMIM 613014.

Submission:

Labcorp Genetics (formerly Invitae), Labcorp
Classification: Uncertain significance for Neuroblastoma, susceptibility to, 3. Last evaluated: 2022-05-30. Review status: criteria provided, single submitter. Criteria: Invitae Variant Classification Sherloc (09022015). Collection method: clinical testing. Allele origin: germline.
Comment: In summary, the available evidence is currently insufficient to determine the role of this variant in disease. Therefore, it has been classified as a Variant of Uncertain Significance. Algorithms developed to predict the effect of missense changes on protein structure and function (SIFT, PolyPhen-2, Align-GVGD) all suggest that this variant is likely to be tolerated. This variant has not been reported in the literature in individuals affected with ALK-related conditions. This variant is not present in population databases (gnomAD no frequency). This sequence change replaces alanine, which is neutral and non-polar, with glutamic acid, which is acidic and polar, at codon 149 of the ALK protein (p.Ala149Glu).